The following is an entry in ClinVar:

ClinVar aggregate classification (germline): Uncertain significance. Review status: criteria provided, multiple submitters, no conflicts (2 of 4 stars). 3 submissions from 3 submitters: Uncertain significance (2). 1 of the submissions does not count toward it. Last evaluated 2025-06-12.

Conditions:
ADCY10-related disorder. Also called: ADCY10-related condition.

Allele frequency attached by ClinVar (database versions not stated): ESP Exome Variant Server 0.00038; gnomAD 0.00052 and 0.00054; 1000 Genomes Project 0.00060; 1000 Genomes Project 30x 0.00078.
gnomAD v4.1: 1,125 of 1,614,224 alleles (0.07%); highest among the groups gnomAD compares: Non-Finnish European, 0.085%; no homozygotes.

Submissions (3):

Labcorp Genetics (formerly Invitae), Labcorp
Classification: Uncertain significance. Last evaluated: 2025-06-12. Review status: criteria provided, single submitter. Criteria: Invitae Variant Classification Sherloc (09022015). Collection method: clinical testing. Allele origin: germline.
Comment: This sequence change replaces glutamic acid, which is acidic and polar, with alanine, which is neutral and non-polar, at codon 7 of the ADCY10 protein (p.Glu7Ala). This variant is present in population databases (rs56142912, gnomAD 0.07%), and has an allele count higher than expected for a pathogenic variant. This variant has not been reported in the literature in individuals affected with ADCY10-related conditions. ClinVar contains an entry for this variant (Variation ID: 1521167). An algorithm developed to predict the effect of missense changes on protein structure and function outputs the following: PolyPhen-2: "Benign". The alanine amino acid residue is found in multiple mammalian species, which suggests that this missense change does not adversely affect protein function. In summary, the available evidence is currently insufficient to determine the role of this variant in disease. Therefore, it has been classified as a Variant of Uncertain Significance.

Ambry Genetics
Classification: Uncertain significance. Last evaluated: 2024-04-29. Review status: criteria provided, single submitter. Criteria: Ambry Variant Classification Scheme 2023. Collection method: clinical testing. Allele origin: germline.

PreventionGenetics, part of Exact Sciences
Classification: Likely benign for ADCY10-related condition. Last evaluated: 2023-04-12. Review status: no assertion criteria provided. Collection method: clinical testing. Allele origin: germline. Not counted in ClinVar's aggregate classification.
Comment: This variant is classified as likely benign based on ACMG/AMP sequence variant interpretation guidelines (Richards et al. 2015 PMID: 25741868, with internal and published modifications).

NM_018417.6(ADCY10):c.20A>C (p.Glu7Ala)

Genes: ADCY10 (adenylate cyclase 10; minus strand), DCAF6 (DDB1 and CUL4 associated factor 6; plus strand). Cytogenetic location: 1q24.2.
Variant type: single nucleotide variant.
Coding change: c.20A>C on transcript NM_018417.6 (MANE Select); coding-DNA position 20, A replaced by C.
Protein change: p.Glu7Ala; replaces glutamic acid 7 with alanine.
Molecular consequence: missense variant. On other transcripts: 5 prime UTR variant (1), intron variant (1).
Genome position (GRCh38, 1-based): chr1:167,905,121, T>G on the plus strand (A>C on the coding strand, the complement: ADCY10 is on the minus strand). VCF-style: chr1-167905121-T-G. GRCh37 (hg19) VCF-style: chr1-167874359-T-G.
Other names: c.-294A>C (NM_001297772.2); c.-62-3067A>C (NM_001167749.3); c.20A>C (NM_018417.5, NM_018417.4); short protein forms E7A.
Identifiers: ClinVar variation 1521167 (VCV001521167.11), dbSNP rs56142912, ClinGen allele CA1228429.
Genomic context (GRCh38, chr1:167,905,121, plus strand): 5'-CCATAGACAATGAGGTCTGGTAAATGAGCTGCTATTCTGACTATGGGCCAGTCCTGGAAT[T>G]CTTCTTTTGGAGTGTTCATGTTCAAGACAAATGTTCAGGATTTTATGGTGACAGGAAGCA-3'
Protein context (NP_060887.2, residues 1-17): MNTPKE[Glu7Ala]FQDWPIVRIA